The following is an entry in ClinVar:

NM_006231.4(POLE):c.910-5G>T

Gene: POLE (DNA polymerase epsilon, catalytic subunit; minus strand). Cytogenetic location: 12q24.33.
Variant type: single nucleotide variant.
Coding change: c.910-5G>T on transcript NM_006231.4 (MANE Select); 5 bases into the intron before coding-DNA position 910, G replaced by T.
Molecular consequence: intron variant.
Genome position (GRCh38, 1-based): chr12:132,676,209, C>A on the plus strand (G>T on the coding strand, the complement: POLE is on the minus strand). VCF-style: chr12-132676209-C-A. GRCh37 (hg19) VCF-style: chr12-133252795-C-A.
Identifiers: ClinVar variation 823017 (VCV000823017.8), dbSNP rs750101293, ClinGen allele CA915946762.

ClinVar aggregate classification (germline): Conflicting classifications of pathogenicity. Review status: criteria provided, conflicting classifications (1 of 4 stars). 3 submissions from 3 submitters: Uncertain significance (1); Likely benign (2). Last evaluated 2026-01-15.

Conditions:
Hereditary cancer-predisposing syndrome. Also called: Hereditary Cancer Syndrome; Tumor predisposition; Neoplastic Syndromes, Hereditary; Hereditary neoplastic syndrome. Identifiers: Orphanet 140162, MedGen C0027672, MeSH D009386, MONDO:0015356.
Colorectal cancer, susceptibility to, 12 (CRCS12). Also called: COLORECTAL CANCER, SUSCEPTIBILITY TO, ON CHROMOSOME 12q24. Identifiers: Orphanet 220460, MedGen C3554460, MONDO:0014038, OMIM 615083.

Submissions (3):

Ambry Genetics
Classification: Uncertain significance for Hereditary cancer-predisposing syndrome. Last evaluated: 2026-01-15. Review status: criteria provided, single submitter. Criteria: Ambry Variant Classification Scheme 2023. Collection method: clinical testing. Allele origin: germline.
Comment: The c.910-5G>T intronic variant results from a G to T substitution 5 nucleotides upstream from coding exon 10 in the POLE gene. This nucleotide position is poorly conserved in available vertebrate species. In silico splice site analysis predicts that this alteration will not have any significant effect on splicing. Based on the available evidence, the clinical significance of this variant remains unclear.

Myriad Genetics, Inc.
Classification: Likely benign for Colorectal cancer, susceptibility to, 12. Last evaluated: 2025-02-07. Review status: criteria provided, single submitter. Criteria: Myriad Autosomal Dominant, Autosomal Recessive and X-Linked Classification Criteria (2023). Collection method: clinical testing. Allele origin: unknown.
Comment: This variant is considered likely benign. This variant is intronic and is not expected to impact mRNA splicing.

Labcorp Genetics (formerly Invitae), Labcorp
Classification: Likely benign. Last evaluated: 2024-10-10. Review status: criteria provided, single submitter. Criteria: Invitae Variant Classification Sherloc (09022015). Collection method: clinical testing. Allele origin: germline.